The following is an entry in ClinVar:

ClinVar aggregate classification (germline): Uncertain significance. Review status: criteria provided, multiple submitters, no conflicts (2 of 4 stars). 7 submissions from 7 submitters: Uncertain significance (7). Last evaluated 2026-05-11.

Conditions:
Hereditary cancer-predisposing syndrome. Also called: Hereditary neoplastic syndrome; Tumor predisposition; Neoplastic Syndromes, Hereditary; Hereditary Cancer Syndrome. Identifiers: Orphanet 140162, MedGen C0027672, MeSH D009386, MONDO:0015356.
Colorectal cancer, susceptibility to, 12 (CRCS12). Also called: COLORECTAL CANCER, SUSCEPTIBILITY TO, ON CHROMOSOME 12q24. Identifiers: Orphanet 220460, MedGen C3554460, MONDO:0014038, OMIM 615083.

Allele frequency attached by ClinVar (database versions not stated): TOPMed below 0.00001; ExAC 0.00002; gnomAD exomes 0.00002 and 0.00006; gnomAD 0.00004.

Submissions (7):

Women's Health and Genetics/Laboratory Corporation of America, LabCorp
Classification: Uncertain significance. Last evaluated: 2026-05-11. Review status: criteria provided, single submitter. Criteria: LabCorp Variant Classification Summary - May 2015. Collection method: clinical testing. Allele origin: germline.

Center for Genomic Medicine, Rigshospitalet, Copenhagen University Hospital
Classification: Uncertain significance. Last evaluated: 2025-12-29. Review status: criteria provided, single submitter. Criteria: ACMG Guidelines, 2015. Collection method: clinical testing. Allele origin: germline.

Ambry Genetics
Classification: Uncertain significance for Hereditary cancer-predisposing syndrome. Last evaluated: 2025-08-05. Review status: criteria provided, single submitter. Criteria: Ambry Variant Classification Scheme 2023. Collection method: clinical testing. Allele origin: germline.
Comment: The c.909G>C variant (also known as p.Q303H), located in coding exon 9 of the POLE gene, results from a G to C substitution at nucleotide position 909. The amino acid change results in glutamine to histidine at codon 303, an amino acid with highly similar properties. However, this change occurs in the last base pair of coding exon 9, which makes it likely to have some effect on normal mRNA splicing. This nucleotide position is well conserved in available vertebrate species. In silico splice site analysis predicts that this alteration may weaken the native splice donor site and will result in the creation or strengthening of a novel splice donor site. RNA studies have demonstrated that this alteration results in abnormal splicing in the set of samples tested (Ambry internal data). Although biallelic loss of function of POLE has been associated with autosomal recessive POLE deficiency, haploinsufficiency of POLE has not been established as a mechanism of disease for POLE-related polymerase proofreading-associated polyposis (PPAP) and POLE-related CMMRD-like syndrome. Based on the supporting evidence, this variant is expected to be causative of POLE deficiency when present along with a second pathogenic variant on the other allele; however, its clinical significance for PPAP and POLE-related CMMRD-like syndrome is unclear.

Blueprint Genetics
Classification: Uncertain significance. Last evaluated: 2024-11-19. Review status: criteria provided, single submitter. Criteria: ACMG Guidelines, 2015. Collection method: clinical testing. Allele origin: germline.

Labcorp Genetics (formerly Invitae), Labcorp
Classification: Uncertain significance. Last evaluated: 2024-05-29. Review status: criteria provided, single submitter. Criteria: Invitae Variant Classification Sherloc (09022015). Collection method: clinical testing. Allele origin: germline.
Comment: This sequence change replaces glutamine, which is neutral and polar, with histidine, which is basic and polar, at codon 303 of the POLE protein (p.Gln303His). This variant also falls at the last nucleotide of exon 9, which is part of the consensus splice site for this exon. This variant is present in population databases (rs779801916, gnomAD 0.05%). This variant has not been reported in the literature in individuals affected with POLE-related conditions. ClinVar contains an entry for this variant (Variation ID: 560852). An algorithm developed to predict the effect of missense changes on protein structure and function (PolyPhen-2) suggests that this variant is likely to be disruptive. Variants that disrupt the consensus splice site are a relatively common cause of aberrant splicing (PMID: 17576681, 9536098). Algorithms developed to predict the effect of sequence changes on RNA splicing suggest that this variant may disrupt the consensus splice site. In summary, the available evidence is currently insufficient to determine the role of this variant in disease. Therefore, it has been classified as a Variant of Uncertain Significance.

Baylor Genetics
Classification: Uncertain significance for Colorectal cancer, susceptibility to, 12. Last evaluated: 2023-06-22. Review status: criteria provided, single submitter. Criteria: ACMG Guidelines, 2015. Collection method: clinical testing. Allele origin: unknown.

PreventionGenetics, part of Exact Sciences
Classification: Uncertain significance. Last evaluated: 2017-06-20. Review status: criteria provided, single submitter. Criteria: ACMG Guidelines, 2015. Collection method: clinical testing. Allele origin: germline.

Literature cited by the submitters: PubMed 17576681 (cited by Labcorp Genetics (formerly Invitae), Labcorp); PubMed 9536098 (cited by Labcorp Genetics (formerly Invitae), Labcorp).

NM_006231.4(POLE):c.909G>C (p.Gln303His)

Gene: POLE (DNA polymerase epsilon, catalytic subunit; minus strand). Cytogenetic location: 12q24.33.
Variant type: single nucleotide variant.
Coding change: c.909G>C on transcript NM_006231.4 (MANE Select); coding-DNA position 909, G replaced by C.
Protein change: p.Gln303His; replaces glutamine 303 with histidine.
Molecular consequence: missense variant.
Genome position (GRCh38, 1-based): chr12:132,676,546, C>G on the plus strand (G>C on the coding strand, the complement: POLE is on the minus strand). VCF-style: chr12-132676546-C-G. GRCh37 (hg19) VCF-style: chr12-133253132-C-G.
Other names: short protein forms Q303H.
Identifiers: ClinVar variation 560852 (VCV000560852.15), dbSNP rs779801916, ClinGen allele CA6894151.
Genomic context (GRCh38, chr12:132,676,546, plus strand): 5'-TATGGGGACCAGACAAGGTCCCCATCCCAGGAGCTTACTTCCCAGAAGCCACCTGCTCAC[C>G]TGGCCATCGATCATGTAGGAAATCATCATAATCTGGTCTGTCTCAGCATCAGGAAACTTG-3'
Protein context (NP_006222.2, residues 293-313): IMMISYMIDG[Gln303His]GYLITNREIV